The following is an entry in ClinVar:

ClinVar aggregate classification (germline): Likely benign. Review status: criteria provided, single submitter (1 of 4 stars). 2 submissions from 2 submitters: Likely benign (1). 1 of the submissions does not count toward it. Last evaluated 2025-12-09.

Conditions:
NBAS-related disorder. Also called: NBAS-related condition.

gnomAD v4.1: 3 of 1,613,970 alleles (0.00019%); highest among the groups gnomAD compares: Admixed American, 0.005%; no homozygotes.

Submissions (2):

Labcorp Genetics (formerly Invitae), Labcorp
Classification: Likely benign. Last evaluated: 2025-12-09. Review status: criteria provided, single submitter. Criteria: Invitae Variant Classification Sherloc (09022015). Collection method: clinical testing. Allele origin: germline.

PreventionGenetics, part of Exact Sciences
Classification: Likely benign for NBAS-related condition. Last evaluated: 2021-05-19. Review status: no assertion criteria provided. Collection method: clinical testing. Allele origin: germline. Not counted in ClinVar's aggregate classification.
Comment: This variant is classified as likely benign based on ACMG/AMP sequence variant interpretation guidelines (Richards et al. 2015 PMID: 25741868, with internal and published modifications).

NM_015909.4(NBAS):c.6465C>T (p.Asn2155=)

Gene: NBAS (NBAS subunit of NRZ tethering complex; minus strand). Cytogenetic location: 2p24.3.
Variant type: single nucleotide variant.
Coding change: c.6465C>T on transcript NM_015909.4 (MANE Select); coding-DNA position 6465, C replaced by T.
Protein change: p.Asn2155=; no amino-acid change (asparagine 2155 retained).
Molecular consequence: synonymous variant. On other transcripts: non-coding transcript variant (1).
Genome position (GRCh38, 1-based): chr2:15,190,371, G>A on the plus strand (C>T on the coding strand, the complement: NBAS is on the minus strand). VCF-style: chr2-15190371-G-A. GRCh37 (hg19) VCF-style: chr2-15330495-G-A.
Other names: c.6465C>T (NM_015909.3).
Identifiers: ClinVar variation 1667499 (VCV001667499.10), dbSNP rs779793082, ClinGen allele CA425059625.
Genomic context (GRCh38, chr2:15,190,371, plus strand): 5'-GTGCTGAAATTCAGCCTCGTGGTGACTAGATTCCAGGAGTTCCATGAATAGACAGTAGCG[G>A]TTCTCTTCATTCTCAATGTCAGCTATGTCTACCTGGAAGAAGAAATACACACTTAAAGCT-3'
Protein context (NP_056993.2, residues 2145-2165): VDIADIENEE[Asn2155=]RYCLFMELLE